The following is an entry in ClinVar:

ClinVar aggregate classification (germline): Pathogenic. Review status: criteria provided, multiple submitters, no conflicts (2 of 4 stars). 2 submissions from 2 submitters: Pathogenic (2). Last evaluated 2023-10-26.

Conditions:
Hereditary breast ovarian cancer syndrome. Also called: Hereditary breast and ovarian cancer syndrome; BRCA1- and BRCA2-Associated Hereditary Breast and Ovarian Cancer; Hereditary breast and/or ovarian cancer syndrome; Hereditary breast and ovarian cancer; Hereditary breast and ovarian cancer syndrome (HBOC); Breast and ovarian cancer. Identifiers: Orphanet 145, MedGen C0677776, MeSH D061325, MONDO:0003582. Disease mechanism: loss of function.
Hereditary cancer-predisposing syndrome. Also called: Neoplastic Syndromes, Hereditary; Hereditary Cancer Syndrome; Tumor predisposition; Hereditary neoplastic syndrome. Identifiers: Orphanet 140162, MedGen C0027672, MeSH D009386, MONDO:0015356.

Submissions (2):

Ambry Genetics
Classification: Pathogenic for Hereditary cancer-predisposing syndrome. Last evaluated: 2023-10-26. Review status: criteria provided, single submitter. Criteria: Ambry Variant Classification Scheme 2023. Collection method: clinical testing. Allele origin: germline.
Comment: The c.3458dupA variant, located in coding exon 10 of the BRCA2 gene, results from a duplication of A at nucleotide position 3458, causing a translational frameshift with a predicted alternate stop codon (p.T1154Dfs*4). This alteration is expected to result in loss of function by premature protein truncation or nonsense-mediated mRNA decay. As such, this alteration is interpreted as a disease-causing mutation.

Labcorp Genetics (formerly Invitae), Labcorp
Classification: Pathogenic for Hereditary breast ovarian cancer syndrome. Last evaluated: 2019-09-01. Review status: criteria provided, single submitter. Criteria: Invitae Variant Classification Sherloc (09022015). Collection method: clinical testing. Allele origin: germline.
Comment: This sequence change creates a premature translational stop signal (p.Thr1154Aspfs*4) in the BRCA2 gene. It is expected to result in an absent or disrupted protein product. For these reasons, this variant has been classified as Pathogenic. Loss-of-function variants in BRCA2 are known to be pathogenic (PMID: 20104584). This variant has not been reported in the literature in individuals with BRCA2-related conditions. This variant is not present in population databases (ExAC no frequency).

Literature cited by the submitters: PubMed 29446198 (cited by Ambry Genetics); PubMed 20104584 (cited by Labcorp Genetics (formerly Invitae), Labcorp).

NM_000059.4(BRCA2):c.3458dup (p.Thr1154fs)

Gene: BRCA2 (BRCA2 DNA repair associated; plus strand). Cytogenetic location: 13q13.1.
Variant type: Duplication.
Coding change: c.3458dup on transcript NM_000059.4 (MANE Select); coding-DNA position 3458, one base duplicated (A; older notation c.3458dupA).
Protein change: p.Thr1154fs; shifts the reading frame from threonine 1154.
Molecular consequence: frameshift variant.
Genome position (GRCh38, 1-based): chr13:32,337,813, A duplicated; the last of 3 consecutive A bases (chr13:32,337,811-32,337,813); duplicating any one gives the same sequence. VCF-style (leftmost placement, unchanged base first): chr13-32337810-T-TA. GRCh37 (hg19) VCF-style: chr13-32911947-T-TA.
Other names: c.3458dupA (NM_000059.3); short protein forms T1154fs.
Identifiers: ClinVar variation 852614 (VCV000852614.10), dbSNP rs80359386, ClinGen allele CA916080526.